The following is an entry in ClinVar:

ClinVar aggregate classification (germline): Uncertain significance (1 of 4 stars; one submission).

Conditions:
Hereditary spastic paraplegia 45. Also called: Spastic paraplegia 45, autosomal recessive; SPASTIC PARAPLEGIA 45. Identifiers: Orphanet 320396, MedGen C3888209, MONDO:0013165, OMIM 613162.

Submission:

Labcorp Genetics (formerly Invitae), Labcorp
Classification: Uncertain significance for Hereditary spastic paraplegia 45. Last evaluated: 2021-05-31. Review status: criteria provided, single submitter. Criteria: Invitae Variant Classification Sherloc (09022015). Collection method: clinical testing. Allele origin: germline.
Comment: In summary, the available evidence is currently insufficient to determine the role of this variant in disease. Therefore, it has been classified as a Variant of Uncertain Significance. This sequence change replaces lysine with glutamic acid at codon 47 of the NT5C2 protein (p.Lys47Glu). The lysine residue is highly conserved and there is a small physicochemical difference between lysine and glutamic acid. This variant is not present in population databases (ExAC no frequency). This variant has not been reported in the literature in individuals with NT5C2-related disease. Algorithms developed to predict the effect of missense changes on protein structure and function do not agree on the potential impact of this missense change (SIFT: "Deleterious"; PolyPhen-2: "Benign"; Align-GVGD: "Class C0").

NM_001351169.2(NT5C2):c.139A>G (p.Lys47Glu)

Gene: NT5C2 (5'-nucleotidase, cytosolic II; minus strand). Cytogenetic location: 10q24.33.
Variant type: single nucleotide variant.
Coding change: c.139A>G on transcript NM_001351169.2 (MANE Select); coding-DNA position 139, A replaced by G.
Protein change: p.Lys47Glu; replaces lysine 47 with glutamic acid.
Molecular consequence: missense variant. On other transcripts: 5 prime UTR variant (17), intron variant (6).
Genome position (GRCh38, 1-based): chr10:103,139,442, T>C on the plus strand (A>G on the coding strand, the complement: NT5C2 is on the minus strand). VCF-style: chr10-103139442-T-C. GRCh37 (hg19) VCF-style: chr10-104899199-T-C.
Other names: c.139A>G, p.Lys47Glu (NM_001134373.3, NM_001351170.2, NM_001351171.2 and 3 more transcripts); c.52A>G, p.Lys18Glu (NM_001351174.1); c.-79A>G (NM_001351175.2); c.-496A>G (NM_001351177.2, NM_001351192.1, NM_001351197.2); c.-520A>G (NM_001351178.2, NM_001351190.2, NM_001351193.1); c.-688A>G (NM_001351179.2, NM_001351182.2); c.-627A>G (NM_001351184.2, NM_001351189.2); c.-648A>G (NM_001351185.2); and 11 more; short protein forms K47E, K18E.
Identifiers: ClinVar variation 569317 (VCV000569317.8), dbSNP rs1565150442, ClinGen allele CA378171799.